The following is an entry in ClinVar:

NM_021120.4(DLG3):c.18C>G (p.His6Gln)

Gene: DLG3 (discs large MAGUK scaffold protein 3; plus strand). Cytogenetic location: Xq13.1.
Variant type: single nucleotide variant.
Coding change: c.18C>G on transcript NM_021120.4 (MANE Select); coding-DNA position 18, C replaced by G.
Protein change: p.His6Gln; replaces histidine 6 with glutamine.
Molecular consequence: missense variant.
Genome position (GRCh38, 1-based): chrX:70,445,219, C>G. VCF-style: chrX-70445219-C-G. GRCh37 (hg19) VCF-style: chrX-69665069-C-G.
Other names: short protein forms H6Q.
Identifiers: ClinVar variation 3770143 (VCV003770143.1).

ClinVar aggregate classification (germline): Uncertain significance (1 of 4 stars; one submission).

Conditions:
Intellectual developmental disorder, X-linked 90. Also called: DLG3-Related X-Linked Nonsyndromic Mental Retardation; Intellectual disability, X-linked 90. Identifiers: Orphanet 777, MedGen C3275443, MONDO:0010452, OMIM 300850.

Submission:

Equipe Genetique des Anomalies du Developpement, Université de Bourgogne
Classification: Uncertain significance for Intellectual developmental disorder, X-linked 90. Last evaluated: 2025-01-31. Review status: criteria provided, single submitter. Criteria: ACMG Guidelines, 2015. Collection method: curation. Allele origin: germline. Affected: yes.
Comment: Literature review. This variant is a missense which replaces an histidine with a glutamine at position 6. Hemizygous pathogenic variants in DLG3 are reported in an autosomal dominant intellectual disability (OMIM #300850). This variant is not present in population database gnomAD (v4.1.0). It has not been reported in ClinVar and was reported in the literature (PMID:38249294). In silico prediction scores are inconclusive. Based on these evidences, the variant was classified as of uncertain significance.

Literature cited by the submitters: PubMed 38249294.